The following is an entry in ClinVar:

NM_002880.4(RAF1):c.388T>A (p.Phe130Ile)

Gene: RAF1 (Raf-1 proto-oncogene, serine/threonine kinase; minus strand). Cytogenetic location: 3p25.2.
Variant type: single nucleotide variant.
Coding change: c.388T>A on transcript NM_002880.4 (MANE Select); coding-DNA position 388, T replaced by A.
Protein change: p.Phe130Ile; replaces phenylalanine 130 with isoleucine.
Molecular consequence: missense variant. On other transcripts: non-coding transcript variant (3).
Genome position (GRCh38, 1-based): chr3:12,609,268, A>T on the plus strand (T>A on the coding strand, the complement: RAF1 is on the minus strand). VCF-style: chr3-12609268-A-T. GRCh37 (hg19) VCF-style: chr3-12650767-A-T.
Other names: c.388T>A, p.Phe130Ile (NM_001354689.3, NM_001354690.3, NM_001354693.3); c.145T>A, p.Phe49Ile (NM_001354691.3, NM_001354692.3, NM_001354694.3 and 1 more transcripts); short protein forms F130I, F49I.
Identifiers: ClinVar variation 40589 (VCV000040589.9), dbSNP rs397516821, ClinGen allele CA134734.

ClinVar aggregate classification (germline): Conflicting classifications of pathogenicity. Review status: criteria provided, conflicting classifications (1 of 4 stars). 3 submissions from 3 submitters: Likely pathogenic (1); Uncertain significance (2). Last evaluated 2022-11-12.

Conditions:
RASopathy. Also called: rasopathies; Noonan spectrum disorder. Identifiers: Orphanet 536391, MedGen C5555857, MONDO:0021060.

Submissions (3):

Labcorp Genetics (formerly Invitae), Labcorp
Classification: Uncertain significance for RASopathy. Last evaluated: 2022-11-12. Review status: criteria provided, single submitter. Criteria: Invitae Variant Classification Sherloc (09022015). Collection method: clinical testing. Allele origin: germline.
Comment: In summary, the available evidence is currently insufficient to determine the role of this variant in disease. Therefore, it has been classified as a Variant of Uncertain Significance. Advanced modeling of protein sequence and biophysical properties (such as structural, functional, and spatial information, amino acid conservation, physicochemical variation, residue mobility, and thermodynamic stability) performed at Invitae indicates that this missense variant is not expected to disrupt RAF1 protein function. ClinVar contains an entry for this variant (Variation ID: 40589). This variant has not been reported in the literature in individuals affected with RAF1-related conditions. This variant is not present in population databases (gnomAD no frequency). This sequence change replaces phenylalanine, which is neutral and non-polar, with isoleucine, which is neutral and non-polar, at codon 130 of the RAF1 protein (p.Phe130Ile).

GeneDx
Classification: Likely pathogenic. Last evaluated: 2022-11-11. Review status: criteria provided, single submitter. Criteria: GeneDx Variant Classification Process June 2021. Collection method: clinical testing. Allele origin: germline. Affected: yes.
Comment: Not observed at significant frequency in large population cohorts (gnomAD); Missense variants in this gene are often considered pathogenic (HGMD); In silico analysis supports that this missense variant does not alter protein structure/function; Has not been previously published as pathogenic or benign to our knowledge

Laboratory for Molecular Medicine, Mass General Brigham Personalized Medicine
Classification: Uncertain significance. Last evaluated: 2010-06-03. Review status: criteria provided, single submitter. Criteria: LMM Criteria. Collection method: clinical testing. Allele origin: germline. Observed: 1 variant allele.
Comment: Variant classified as Uncertain Significance - Favor Pathogenic.